The following is an entry in ClinVar:

NM_004655.4(AXIN2):c.1476C>T (p.Ala492=)

Gene: AXIN2 (axin 2; minus strand). Cytogenetic location: 17q24.1.
Variant type: single nucleotide variant.
Coding change: c.1476C>T on transcript NM_004655.4 (MANE Select); coding-DNA position 1476, C replaced by T.
Protein change: p.Ala492=; no amino-acid change (alanine 492 retained).
Molecular consequence: synonymous variant.
Genome position (GRCh38, 1-based): chr17:65,537,560, G>A on the plus strand (C>T on the coding strand, the complement: AXIN2 is on the minus strand). VCF-style: chr17-65537560-G-A. GRCh37 (hg19) VCF-style: chr17-63533678-G-A.
Other names: c.1476C>T (LRG_296t1); c.1476C>T, p.Ala492= (NM_001363813.1).
Identifiers: ClinVar variation 512123 (VCV000512123.16), dbSNP rs931608809, ClinGen allele CA293098271.
Genomic context (GRCh38, chr17:65,537,560, plus strand): 5'-CTTCGTCGTCTGCTTGGTCACAAAGCCTTTGCCCCCGAGGAGGGGGCAGGCGCCCGGCGA[G>A]GCGGCCGCGGGAGGCAGCTTGCCACCGGGCGGGAGCAGGGAGTGGTACTGCGAATGGTGG-3'
Protein context (NP_004646.3, residues 482-502): PPGGKLPPAA[Ala492=]SPGACPLLGG

ClinVar aggregate classification (germline): Benign/Likely benign. Review status: criteria provided, multiple submitters, no conflicts (2 of 4 stars). 5 submissions from 5 submitters: Benign (1); Likely benign (4). Last evaluated 2025-11-10.

Conditions:
Oligodontia-cancer predisposition syndrome. Also called: TOOTH AGENESIS-COLORECTAL CANCER SYNDROME. Identifiers: Orphanet 300576, MedGen C1837750, MONDO:0012075, OMIM 608615. Disease mechanism: loss of function.
Hereditary cancer-predisposing syndrome. Also called: Hereditary Cancer Syndrome; Neoplastic Syndromes, Hereditary; Tumor predisposition; Hereditary neoplastic syndrome. Identifiers: Orphanet 140162, MedGen C0027672, MeSH D009386, MONDO:0015356.

Allele frequency attached by ClinVar (database versions not stated): gnomAD exomes 0.00001 and 0.00005; TOPMed 0.00001.
gnomAD v4.1: 70 of 1,611,386 alleles (0.0043%); highest among the groups gnomAD compares: Non-Finnish European, 0.0059%; no homozygotes.

Submissions (5):

Labcorp Genetics (formerly Invitae), Labcorp
Classification: Likely benign for Oligodontia-cancer predisposition syndrome. Last evaluated: 2025-11-10. Review status: criteria provided, single submitter. Criteria: Invitae Variant Classification Sherloc (09022015). Collection method: clinical testing. Allele origin: germline.

Myriad Genetics, Inc.
Classification: Benign for Oligodontia-cancer predisposition syndrome. Last evaluated: 2024-07-03. Review status: criteria provided, single submitter. Criteria: Myriad Autosomal Dominant, Autosomal Recessive and X-Linked Classification Criteria (2023). Collection method: clinical testing. Allele origin: unknown.
Comment: This variant is considered benign. This variant is a silent/synonymous amino acid change and it is not expected to impact splicing.

Sema4
Classification: Likely benign for Hereditary cancer-predisposing syndrome. Last evaluated: 2020-12-03. Review status: criteria provided, single submitter. Criteria: Sema4 Curation Guidelines. Collection method: curation. Allele origin: germline.

Ambry Genetics
Classification: Likely benign for Hereditary cancer-predisposing syndrome. Last evaluated: 2020-09-17. Review status: criteria provided, single submitter. Criteria: Ambry Variant Classification Scheme 2023. Collection method: clinical testing. Allele origin: germline.

GeneDx
Classification: Likely benign. Last evaluated: 2017-09-15. Review status: criteria provided, single submitter. Criteria: GeneDx Variant Classification (06012015). Collection method: clinical testing. Allele origin: germline. Affected: yes.
Comment: This variant is considered likely benign or benign based on one or more of the following criteria: it is a conservative change, it occurs at a poorly conserved position in the protein, it is predicted to be benign by multiple in silico algorithms, and/or has population frequency not consistent with disease.